The following is an entry in ClinVar:

ClinVar aggregate classification (germline): Likely benign. Review status: reviewed by expert panel (3 of 4 stars). 3 submissions from 3 submitters: Likely benign (1). 2 of the submissions do not count toward it. Last evaluated 2023-08-28.

Conditions:
CDKL5 disorder. Identifiers: MedGen CN296942, MONDO:0100039.
Developmental and epileptic encephalopathy, 2 (DEE2). Also called: INFANTILE SPASM SYNDROME, X-LINKED 2; CDKL5 deficiency disorder. Identifiers: Orphanet 1934, Orphanet 3451, Orphanet 505652, MedGen C4750718, MONDO:0010396, OMIM 300672.
Angelman syndrome-like. Identifiers: MedGen CN128785.

Allele frequency attached by ClinVar (database versions not stated): gnomAD exomes below 0.00001 and 0.00001; ExAC 0.00001; TOPMed 0.00001.
gnomAD v4.1: 1 of 1,211,640 alleles (0.000083%); highest among the groups gnomAD compares: Non-Finnish European, 0.00011%; no homozygotes.

Submissions (3):

ClinGen Rett and Angelman-like Disorders Variant Curation Expert Panel
Classification: Likely benign for CDKL5 disorder. Last evaluated: 2023-08-28. Review status: reviewed by expert panel. Criteria: ClinGen RettAS ACMG Specifications CDKL5 V3.0.0. Collection method: curation. Allele origin: germline. Inheritance: X-linked inheritance.
Comment: The p.Lys412Glu variant in CDKL5 is present in 1 XY individual in gnomAD (0.0001707%) (not sufficient to meet BS1 criteria). The p.Lys412Glu variant is observed in at least 2 unaffected individuals (internal database - GeneDx) (BS2). Computational analysis prediction tools suggests that the p.Lys412Glu variant does not have a deleterious impact (BP4); however this information does not predict clinical significance on its own. In summary, the p.Lys412Glu variant in CDKL5 is classified as likely benign based on the ACMG/AMP criteria (BS2, BP4).

Labcorp Genetics (formerly Invitae), Labcorp
Classification: Uncertain significance for Developmental and epileptic encephalopathy, 2; Angelman syndrome-like. Last evaluated: 2024-05-24. Review status: criteria provided, single submitter. Criteria: Invitae Variant Classification Sherloc (09022015). Collection method: clinical testing. Allele origin: germline. Not counted in ClinVar's aggregate classification.
Comment: This sequence change replaces lysine, which is basic and polar, with glutamic acid, which is acidic and polar, at codon 412 of the CDKL5 protein (p.Lys412Glu). This variant is present in population databases (rs770340766, gnomAD 0.001%). This variant has not been reported in the literature in individuals affected with CDKL5-related conditions. ClinVar contains an entry for this variant (Variation ID: 423898). Advanced modeling of protein sequence and biophysical properties (such as structural, functional, and spatial information, amino acid conservation, physicochemical variation, residue mobility, and thermodynamic stability) has been performed at Invitae for this missense variant, however the output from this modeling did not meet the statistical confidence thresholds required to predict the impact of this variant on CDKL5 protein function. In summary, the available evidence is currently insufficient to determine the role of this variant in disease. Therefore, it has been classified as a Variant of Uncertain Significance.

GeneDx
Classification: Likely benign. Last evaluated: 2022-04-11. Review status: criteria provided, single submitter. Criteria: GeneDx Variant Classification Process June 2021. Collection method: clinical testing. Allele origin: germline. Affected: yes. Not counted in ClinVar's aggregate classification.
Comment: See Variant Classification Assertion Criteria.

NM_001323289.2(CDKL5):c.1234A>G (p.Lys412Glu)

Gene: CDKL5 (cyclin dependent kinase like 5; plus strand). Cytogenetic location: Xp22.13.
Variant type: single nucleotide variant.
Coding change: c.1234A>G on transcript NM_001323289.2 (MANE Select); coding-DNA position 1234, A replaced by G.
Protein change: p.Lys412Glu; replaces lysine 412 with glutamic acid.
Molecular consequence: missense variant.
Genome position (GRCh38, 1-based): chrX:18,604,158, A>G. VCF-style: chrX-18604158-A-G. GRCh37 (hg19) VCF-style: chrX-18622278-A-G.
Other names: c.1234A>G, p.Lys412Glu (NM_001037343.2, NM_003159.3); short protein forms K412E.
Identifiers: ClinVar variation 423898 (VCV000423898.16), dbSNP rs770340766, ClinGen allele CA10360368.
Genomic context (GRCh38, chrX:18,604,158, plus strand): 5'-TCTACCAGCAAAGATCTCACCAACAACAACATACCACACCTTCTTAGCCCAAAAGAAGCC[A>G]AGTCAAAAACAGAGTTTGATTTTAATATTGACCCAAAGCCTTCAGAAGGCCCAGGGACAA-3'
Protein context (NP_001310218.1, residues 402-422): IPHLLSPKEA[Lys412Glu]SKTEFDFNID